The following is an entry in ClinVar:

ClinVar aggregate classification (germline): Pathogenic (1 of 4 stars; one submission).

Conditions:
Mucopolysaccharidosis, MPS-III-B (MPS3B). Also called: N-ACETYL-ALPHA-D-GLUCOSAMINIDASE DEFICIENCY; NAGLU DEFICIENCY; SANFILIPPO SYNDROME B; MPS III B; MPS IIIB (Sanfilippo Syndrome Type B); MUCOPOLYSACCHARIDOSIS, TYPE IIIB. Identifiers: Orphanet 79270, MedGen C0086648, MONDO:0009656, OMIM 252920.
Charcot-Marie-Tooth disease axonal type 2V. Also called: CHARCOT-MARIE-TOOTH NEUROPATHY, TYPE 2V; CHARCOT-MARIE-TOOTH DISEASE, AXONAL, AUTOSOMAL DOMINANT, TYPE 2V. Identifiers: Orphanet 447964, MedGen C5569050, MONDO:0014665, OMIM 616491.

Submission:

Labcorp Genetics (formerly Invitae), Labcorp
Classification: Pathogenic for Charcot-Marie-Tooth disease axonal type 2V; Mucopolysaccharidosis, MPS-III-B. Last evaluated: 2024-10-23. Review status: criteria provided, single submitter. Criteria: Invitae Variant Classification Sherloc (09022015). Collection method: clinical testing. Allele origin: germline.
Comment: This sequence change affects the initiator methionine of the NAGLU mRNA. The next in-frame methionine is located at codon 157. This variant is not present in population databases (gnomAD no frequency). Disruption of the initiator codon has been observed in individual(s) with mucopolysaccharidosis type III (PMID: 9950362, 18218046). ClinVar contains an entry for this variant (Variation ID: 1458683). For these reasons, this variant has been classified as Pathogenic.

Literature cited by the submitters: PubMed 9950362; PubMed 18218046.

NM_000263.4(NAGLU):c.3G>A (p.Met1Ile)

Genes: NAGLU (N-acetyl-alpha-glucosaminidase; plus strand), LOC130060903 (ATAC-STARR-seq lymphoblastoid silent region 8533; plus strand). Cytogenetic location: 17q21.2.
Variant type: single nucleotide variant.
Coding change: c.3G>A on transcript NM_000263.4 (MANE Select); coding-DNA position 3, G replaced by A.
Protein change: p.Met1Ile; changes the start codon (methionine 1).
Molecular consequence: missense variant, initiator codon variant.
Genome position (GRCh38, 1-based): chr17:42,536,275, G>A. VCF-style: chr17-42536275-G-A. GRCh37 (hg19) VCF-style: chr17-40688293-G-A.
Other names: short protein forms M1I.
Identifiers: ClinVar variation 1458683 (VCV001458683.6), dbSNP rs2143074939, ClinGen allele CA399594823.
Genomic context (GRCh38, chr17:42,536,275, plus strand): 5'-TGATTGGACGCGGGCCGCCCCACCCCCTGGCCGTCGCGGGACCCGCAGGACTGAGACCAT[G>A]GAGGCGGTGGCGGTGGCCGCGGCGGTGGGGGTCCTTCTCCTGGCCGGGGCCGGGGGCGCG-3'
Protein context (NP_000254.2, residues 1-11): [Met1Ile]EAVAVAAAVG